The following is an entry in ClinVar:

NM_001162501.2(TNRC6B):c.3637A>G (p.Thr1213Ala)

Gene: TNRC6B (trinucleotide repeat containing adaptor 6B; plus strand). Cytogenetic location: 22q13.1.
Variant type: single nucleotide variant.
Coding change: c.3637A>G on transcript NM_001162501.2 (MANE Select); coding-DNA position 3637, A replaced by G.
Protein change: p.Thr1213Ala; replaces threonine 1213 with alanine.
Molecular consequence: missense variant.
Genome position (GRCh38, 1-based): chr22:40,285,699, A>G. VCF-style: chr22-40285699-A-G. GRCh37 (hg19) VCF-style: chr22-40681703-A-G.
Other names: c.1225A>G, p.Thr409Ala (NM_001024843.2); c.3307A>G, p.Thr1103Ala (NM_015088.3); short protein forms T1103A, T1213A, T409A.
Identifiers: ClinVar variation 3032011 (VCV003032011.2), dbSNP rs1485802513, ClinGen allele CA411654331.

ClinVar aggregate classification (germline): Uncertain significance (0 of 4 stars; one submission).

Conditions:
TNRC6B-related disorder. Also called: TNRC6B-related condition.

Allele frequency attached by ClinVar (database versions not stated): gnomAD exomes below 0.00001.
gnomAD v4.1: 1 of 1,613,930 alleles (0.000062%); highest among the groups gnomAD compares: Non-Finnish European, 0.000085%; no homozygotes.

Submission:

PreventionGenetics, part of Exact Sciences
Classification: Uncertain significance for TNRC6B-related condition. Last evaluated: 2023-12-23. Review status: no assertion criteria provided. Collection method: clinical testing. Allele origin: germline.
Comment: The TNRC6B c.3637A>G variant is predicted to result in the amino acid substitution p.Thr1213Ala. To our knowledge, this variant has not been reported in the literature. This variant is reported in 0.00089% of alleles in individuals of European (Non-Finnish) descent in gnomAD. At this time, the clinical significance of this variant is uncertain due to the absence of conclusive functional and genetic evidence.